The following is an entry in ClinVar:

NM_005534.4(IFNGR2):c.984G>A (p.Lys328=)

Genes: IFNGR2 (interferon gamma receptor 2; plus strand), TMEM50B (transmembrane protein 50B; minus strand). Cytogenetic location: 21q22.11.
Variant type: single nucleotide variant.
Coding change: c.984G>A on transcript NM_005534.4 (MANE Select); coding-DNA position 984, G replaced by A.
Protein change: p.Lys328=; no amino-acid change (lysine 328 retained).
Molecular consequence: synonymous variant.
Genome position (GRCh38, 1-based): chr21:33,436,932, G>A. VCF-style: chr21-33436932-G-A. GRCh37 (hg19) VCF-style: chr21-34809239-G-A.
Other names: c.1041G>A, p.Lys347= (NM_001329128.2).
Identifiers: ClinVar variation 111260 (VCV000111260.15), dbSNP rs121913220, ClinGen allele CA230582.
Genomic context (GRCh38, chr21:33,436,932, plus strand): 5'-GGACAGCTCACCAAAGGATGACGTCTGGGACTCTGTGTCCATTATCTCGTTTCCGGAAAA[G>A]GAGCAAGAAGATGTTCTCCAAACGCTTTGAACCAAAGCATGGGCCTAGCCCACTGGCTCC-3'
Protein context (NP_005525.2, residues 318-337): DSVSIISFPE[Lys328=]EQEDVLQTL

ClinVar aggregate classification (germline): Benign/Likely benign. Review status: criteria provided, multiple submitters, no conflicts (2 of 4 stars). 5 submissions from 5 submitters: Benign (2); Likely benign (2). 1 of the submissions does not count toward it. Last evaluated 2026-01-14.

Conditions:
IFNGR2-related disorder. Also called: IFNGR2-related condition.
Immunodeficiency 28 (IMD28). Also called: IFNGR2 DEFICIENCY. Identifiers: Orphanet 319547, Orphanet 319574, MedGen C4013947, MONDO:0013953, OMIM 614889.

Allele frequency attached by ClinVar (database versions not stated): gnomAD exomes 0.00010 and 0.00027; ExAC 0.00033; 1000 Genomes Project 0.00100; TOPMed 0.00123; gnomAD 0.00129 and 0.00141; ESP Exome Variant Server 0.00154.
gnomAD v4.1: 337 of 1,613,990 alleles (0.021%); highest among the groups gnomAD compares: African/African-American, 0.43%; no homozygotes.

Submissions (5):

Labcorp Genetics (formerly Invitae), Labcorp
Classification: Benign for Immunodeficiency 28. Last evaluated: 2026-01-14. Review status: criteria provided, single submitter. Criteria: Invitae Variant Classification Sherloc (09022015). Collection method: clinical testing. Allele origin: germline.

PreventionGenetics, part of Exact Sciences
Classification: Likely benign for IFNGR2-related condition. Last evaluated: 2025-09-10. Review status: criteria provided, single submitter. Criteria: ACMG Guidelines, 2015. Collection method: clinical testing. Allele origin: germline.
Comment: This variant is classified as likely benign based on ACMG/AMP sequence variant interpretation guidelines (Richards et al. 2015 PMID: 25741868, with internal and published modifications).

Blueprint Genetics
Classification: Likely benign. Last evaluated: 2022-09-09. Review status: criteria provided, single submitter. Criteria: ACMG Guidelines, 2015. Collection method: clinical testing. Allele origin: germline.

Breakthrough Genomics
Classification: Benign. Review status: criteria provided, single submitter. Criteria: ACMG Guidelines, 2015. Collection method: not provided. Allele origin: germline. Inheritance: Autosomal recessive inheritance. Affected: yes.

Human Evolutionary Genetics, Institut Pasteur
No classification provided. Review status: no classification provided. Collection method: not provided. Allele origin: not provided. Not counted in ClinVar's aggregate classification.